The following is an entry in ClinVar:

ClinVar aggregate classification (germline): Uncertain significance (1 of 4 stars; one submission).

Conditions:
Early Myoclonic Encephalopathy. Identifiers: MedGen C0270855.

Submission:

Labcorp Genetics (formerly Invitae), Labcorp
Classification: Uncertain significance for Early Myoclonic Encephalopathy. Last evaluated: 2022-08-31. Review status: criteria provided, single submitter. Criteria: Invitae Variant Classification Sherloc (09022015). Collection method: clinical testing. Allele origin: germline.
Comment: This sequence change replaces glutamic acid, which is acidic and polar, with lysine, which is basic and polar, at codon 1155 of the JMJD1C protein (p.Glu1155Lys). This variant is not present in population databases (gnomAD no frequency). This variant has not been reported in the literature in individuals affected with JMJD1C-related conditions. ClinVar contains an entry for this variant (Variation ID: 650012). Algorithms developed to predict the effect of missense changes on protein structure and function are either unavailable or do not agree on the potential impact of this missense change (SIFT: "Deleterious"; PolyPhen-2: "Possibly Damaging"; Align-GVGD: "Class C0"). In summary, the available evidence is currently insufficient to determine the role of this variant in disease. Therefore, it has been classified as a Variant of Uncertain Significance.

NM_032776.3(JMJD1C):c.3463G>A (p.Glu1155Lys)

Gene: JMJD1C (jumonji domain containing 1C; minus strand). Cytogenetic location: 10q21.3.
Variant type: single nucleotide variant.
Coding change: c.3463G>A on transcript NM_032776.3 (MANE Select); coding-DNA position 3463, G replaced by A.
Protein change: p.Glu1155Lys; replaces glutamic acid 1155 with lysine.
Molecular consequence: missense variant. On other transcripts: non-coding transcript variant (1).
Genome position (GRCh38, 1-based): chr10:63,208,206, C>T on the plus strand (G>A on the coding strand, the complement: JMJD1C is on the minus strand). VCF-style: chr10-63208206-C-T. GRCh37 (hg19) VCF-style: chr10-64967966-C-T.
Other names: c.2917G>A, p.Glu973Lys (NM_001282948.2, NM_001318154.2); c.2599G>A, p.Glu867Lys (NM_001318153.2); c.3349G>A, p.Glu1117Lys (NM_001322252.2); c.2806G>A, p.Glu936Lys (NM_001322254.2, NM_001322258.2); short protein forms E867K, E973K, E1117K, E1155K, E936K.
Identifiers: ClinVar variation 650012 (VCV000650012.8), dbSNP rs1589149816, ClinGen allele CA377041683.